The following is an entry in ClinVar:

ClinVar aggregate classification (germline): Uncertain significance (1 of 4 stars; one submission).

Conditions:
Corticosterone 18-monooxygenase deficiency. Also called: ALDOSTERONE DEFICIENCY DUE TO DEFECT IN STEROID 18-HYDROXYLASE; ALDOSTERONE DEFICIENCY I; CMO I DEFICIENCY; STEROID 18-HYDROXYLASE DEFICIENCY; 18 Hydroxylase deficiency; Aldosterone deficiency due to defect in 18 hydroxylase. Identifiers: Orphanet 427, MedGen C0268293, MONDO:0008751, OMIM 203400. Disease mechanism: loss of function.

Submission:

MVZ Medizinische Genetik Mainz
Classification: Uncertain significance for Corticosterone 18-monooxygenase deficiency. Last evaluated: 2026-06-12. Review status: criteria provided, single submitter. Criteria: UK Practice Guidelines For Variant Classification V4 01 2020. Collection method: clinical testing. Allele origin: germline. Inheritance: Autosomal recessive inheritance. Affected: yes. Observed: 1 variant allele.
Comment: ACMG Criteria: PM2_SUP,PM3_SUP,PP4

NM_000498.3(CYP11B2):c.118G>C (p.Ala40Pro)

Genes: CYP11B2 (cytochrome P450 family 11 subfamily B member 2; minus strand), LOC106799834 (CYP11B2 recombination region; plus strand). Cytogenetic location: 8q24.3.
Variant type: single nucleotide variant.
Coding change: c.118G>C on transcript NM_000498.3 (MANE Select); coding-DNA position 118, G replaced by C.
Protein change: p.Ala40Pro; replaces alanine 40 with proline.
Molecular consequence: missense variant.
Genome position (GRCh38, 1-based): chr8:142,917,723, C>G on the plus strand (G>C on the coding strand, the complement: CYP11B2 is on the minus strand). VCF-style: chr8-142917723-C-G. GRCh37 (hg19) VCF-style: chr8-143999139-C-G.
Other names: short protein forms A40P.
Identifiers: ClinVar variation 4879833 (VCV004879833.1).